The following is an entry in ClinVar:

ClinVar aggregate classification (germline): Uncertain significance (1 of 4 stars; one submission).

Submission:

GeneDx
Classification: Uncertain significance. Last evaluated: 2025-02-03. Review status: criteria provided, single submitter. Criteria: GeneDx Variant Classification Process June 2021. Collection method: clinical testing. Allele origin: germline. Affected: yes.
Comment: Not observed at significant frequency in large population cohorts (gnomAD); In silico analysis indicates that this missense variant does not alter protein structure/function; Has not been previously published as pathogenic or benign to our knowledge

NM_006265.3(RAD21):c.515G>A (p.Arg172Lys)

Gene: RAD21 (RAD21 cohesin complex component; minus strand). Cytogenetic location: 8q24.11.
Variant type: single nucleotide variant.
Coding change: c.515G>A on transcript NM_006265.3 (MANE Select); coding-DNA position 515, G replaced by A.
Protein change: p.Arg172Lys; replaces arginine 172 with lysine.
Molecular consequence: missense variant.
Genome position (GRCh38, 1-based): chr8:116,857,440, C>T on the plus strand (G>A on the coding strand, the complement: RAD21 is on the minus strand). VCF-style: chr8-116857440-C-T. GRCh37 (hg19) VCF-style: chr8-117869679-C-T.
Other names: short protein forms R172K.
Identifiers: ClinVar variation 4074519 (VCV004074519.1).